The following is an entry in ClinVar:

NM_000557.5(GDF5):c.482C>T (p.Pro161Leu)

Gene: GDF5 (growth differentiation factor 5; minus strand). Cytogenetic location: 20q11.22.
Variant type: single nucleotide variant.
Coding change: c.482C>T on transcript NM_000557.5 (MANE Select); coding-DNA position 482, C replaced by T.
Protein change: p.Pro161Leu; replaces proline 161 with leucine.
Molecular consequence: missense variant.
Genome position (GRCh38, 1-based): chr20:35,437,447, G>A on the plus strand (C>T on the coding strand, the complement: GDF5 is on the minus strand). VCF-style: chr20-35437447-G-A. GRCh37 (hg19) VCF-style: chr20-34025227-G-A.
Other names: c.482C>T, p.Pro161Leu (NM_001319138.2); short protein forms P161L.
Identifiers: ClinVar variation 3667177 (VCV003667177.2).
Genomic context (GRCh38, chr20:35,437,447, plus strand): 5'-GACAGCGTCCTGTACAGCGAGAGCATGTACTCGTGGGGTGTGATGGGGGGTGGGCGAAAC[G>A]GCTCCTTGGGCTCTCGTGGGGGCCCGGGCTCCCTGGCCTTCTTCAGCAGGAAGGAGCTGG-3'
Protein context (NP_000548.2, residues 151-171): EPGPPREPKE[Pro161Leu]FRPPPITPHE

ClinVar aggregate classification (germline): Uncertain significance (1 of 4 stars; one submission).

Submission:

Labcorp Genetics (formerly Invitae), Labcorp
Classification: Uncertain significance. Last evaluated: 2024-10-07. Review status: criteria provided, single submitter. Criteria: Invitae Variant Classification Sherloc (09022015). Collection method: clinical testing. Allele origin: germline.
Comment: This sequence change replaces proline, which is neutral and non-polar, with leucine, which is neutral and non-polar, at codon 161 of the GDF5 protein (p.Pro161Leu). This variant is not present in population databases (gnomAD no frequency). This variant has not been reported in the literature in individuals affected with GDF5-related conditions. Invitae Evidence Modeling of protein sequence and biophysical properties (such as structural, functional, and spatial information, amino acid conservation, physicochemical variation, residue mobility, and thermodynamic stability) indicates that this missense variant is not expected to disrupt GDF5 protein function with a negative predictive value of 80%. In summary, the available evidence is currently insufficient to determine the role of this variant in disease. Therefore, it has been classified as a Variant of Uncertain Significance.